The following is an entry in ClinVar:

NM_000372.5(TYR):c.819+1del

Gene: TYR (tyrosinase; plus strand). Cytogenetic location: 11q14.3.
Variant type: Deletion.
Coding change: c.819+1del on transcript NM_000372.5 (MANE Select); the canonical splice donor site of the intron after coding-DNA position 819, one base deleted (G; older notation c.819+1delG).
Molecular consequence: splice donor variant.
Genome position (GRCh38, 1-based): chr11:89,178,773, G deleted; the last of 2 consecutive G bases (chr11:89,178,772-89,178,773); deleting either gives the same sequence. VCF-style (leftmost placement, unchanged base first): chr11-89178771-AG-A. GRCh37 (hg19) VCF-style: chr11-88911939-AG-A.
Identifiers: ClinVar variation 4534888 (VCV004534888.6).

ClinVar aggregate classification (germline): Pathogenic (1 of 4 stars; one submission).

Submission:

CeGaT Center for Human Genetics Tuebingen
Classification: Pathogenic. Last evaluated: 2025-10-01. Review status: criteria provided, single submitter. Criteria: CeGaT Center For Human Genetics Tuebingen Variant Classification Criteria Version 2. Collection method: clinical testing. Allele origin: germline. Affected: yes. Observed: 1 variant allele.
Comment: TYR: PVS1, PM2